The following is an entry in ClinVar:

ClinVar aggregate classification (germline): Uncertain significance (1 of 4 stars; one submission).

Submission:

GeneDx
Classification: Uncertain significance. Last evaluated: 2022-11-16. Review status: criteria provided, single submitter. Criteria: GeneDx Variant Classification Process June 2021. Collection method: clinical testing. Allele origin: germline. Affected: yes.
Comment: Not observed at significant frequency in large population cohorts (gnomAD); In silico analysis supports that this missense variant has a deleterious effect on protein structure/function; Has not been previously published as pathogenic or benign to our knowledge

NM_003107.3(SOX4):c.763G>T (p.Asp255Tyr)

Gene: SOX4 (SRY-box transcription factor 4; plus strand). Cytogenetic location: 6p22.3.
Variant type: single nucleotide variant.
Coding change: c.763G>T on transcript NM_003107.3 (MANE Select); coding-DNA position 763, G replaced by T.
Protein change: p.Asp255Tyr; replaces aspartic acid 255 with tyrosine.
Molecular consequence: missense variant.
Genome position (GRCh38, 1-based): chr6:21,595,297, G>T. VCF-style: chr6-21595297-G-T. GRCh37 (hg19) VCF-style: chr6-21595528-G-T.
Other names: short protein forms D255Y.
Identifiers: ClinVar variation 2502664 (VCV002502664.1), dbSNP rs2532640551, ClinGen allele CA363271274.